The following is an entry in ClinVar:

ClinVar aggregate classification (germline): Pathogenic (1 of 4 stars; one submission).

Conditions:
Nemaline myopathy 2 (NEM2). Also called: Nemaline myopathy 2, autosomal recessive. Identifiers: MedGen C1850569, MONDO:0009725, OMIM 256030.

Submission:

Labcorp Genetics (formerly Invitae), Labcorp
Classification: Pathogenic for Nemaline myopathy 2. Last evaluated: 2022-06-28. Review status: criteria provided, single submitter. Criteria: Invitae Variant Classification Sherloc (09022015). Collection method: clinical testing. Allele origin: germline.
Comment: This sequence change creates a premature translational stop signal (p.Thr7474Asnfs*5) in the NEB gene. It is expected to result in an absent or disrupted protein product. Loss-of-function variants in NEB are known to be pathogenic (PMID: 25205138). ClinVar contains an entry for this variant (Variation ID: 859754). This variant is not present in population databases (gnomAD no frequency). This variant has not been reported in the literature in individuals affected with NEB-related conditions. For these reasons, this variant has been classified as Pathogenic.

Literature cited by the submitters: PubMed 25205138.

NM_001164508.2(NEB):c.22312_22315dup (p.Thr7439fs)

Genes: RIF1 (replication timing regulatory factor 1; plus strand), NEB (nebulin; minus strand). Cytogenetic location: 2q23.3.
Variant type: Duplication.
Coding change: c.22312_22315dup on transcript NM_001164508.2 (MANE Select); coding-DNA positions 22312 to 22315, 4 bases duplicated (ACCA; older notation c.22312_22315dupACCA).
Protein change: p.Thr7439fs; shifts the reading frame from threonine 7439.
Molecular consequence: frameshift variant.
Genome position (GRCh38, 1-based): chr2:151,524,574-151,524,577, TGGT duplicated on the plus strand (ACCA on the coding strand, the reverse complement: NEB is on the minus strand). VCF-style (leftmost placement, unchanged base first): chr2-151524573-G-GTGGT. GRCh37 (hg19) VCF-style: chr2-152381087-G-GTGGT.
Other names: c.22312_22315dup, p.Thr7439fs (NM_001164507.2); c.22417_22420dup, p.Thr7474fs (NM_001271208.2); c.17209_17212dup, p.Thr5738fs (NM_004543.5); short protein forms T7474fs, T7439fs, T5738fs.
Identifiers: ClinVar variation 859754 (VCV000859754.9), dbSNP rs2084217268, ClinGen allele CA916080274.